The following is an entry in ClinVar:

NM_001135146.2(SLC39A8):c.1048+3A>T

Genes: SLC39A8 (solute carrier family 39 member 8; minus strand), LOC126807125 (MED14-independent group 3 enhancer GRCh37_chr4:103188587-103189786; plus strand). Cytogenetic location: 4q24.
Variant type: single nucleotide variant.
Coding change: c.1048+3A>T on transcript NM_001135146.2 (MANE Select); 3 bases into the intron after coding-DNA position 1048, A replaced by T.
Molecular consequence: intron variant.
Genome position (GRCh38, 1-based): chr4:102,267,869, T>A on the plus strand (A>T on the coding strand, the complement: SLC39A8 is on the minus strand). VCF-style: chr4-102267869-T-A. GRCh37 (hg19) VCF-style: chr4-103189026-T-A.
Other names: c.1048+3A>T (NM_001135147.1, NM_022154.5); c.847+3A>T (NM_001135148.2).
Identifiers: ClinVar variation 1967800 (VCV001967800.5), dbSNP rs2476347284, ClinGen allele CA2580071259.

ClinVar aggregate classification (germline): Uncertain significance (1 of 4 stars; one submission).

Submission:

Labcorp Genetics (formerly Invitae), Labcorp
Classification: Uncertain significance. Last evaluated: 2022-08-08. Review status: criteria provided, single submitter. Criteria: Invitae Variant Classification Sherloc (09022015). Collection method: clinical testing. Allele origin: germline.
Comment: In summary, the available evidence is currently insufficient to determine the role of this variant in disease. Therefore, it has been classified as a Variant of Uncertain Significance. Variants that disrupt the consensus splice site are a relatively common cause of aberrant splicing (PMID: 17576681, 9536098). Algorithms developed to predict the effect of sequence changes on RNA splicing suggest that this variant may disrupt the consensus splice site. This variant has not been reported in the literature in individuals affected with SLC39A8-related conditions. This variant is not present in population databases (gnomAD no frequency). This sequence change falls in intron 6 of the SLC39A8 gene. It does not directly change the encoded amino acid sequence of the SLC39A8 protein. It affects a nucleotide within the consensus splice site.

Literature cited by the submitters: PubMed 17576681; PubMed 9536098.